The following is an entry in ClinVar:

ClinVar aggregate classification (germline): Uncertain significance. Review status: criteria provided, multiple submitters, no conflicts (2 of 4 stars). 2 submissions from 2 submitters: Uncertain significance (2). Last evaluated 2024-04-11.

Conditions:
Hyperaldosteronism, familial, type IV (HALD4). Also called: FH IV; ALDOSTERONISM, PRIMARY, AND HYPERTENSION. Identifiers: Orphanet 642671, MedGen C4310756, MONDO:0014875, OMIM 617027.
Idiopathic generalized epilepsy. Also called: EIG; Generalised epilepsy. Identifiers: MedGen C0270850, MONDO:0005579, OMIM 600669.

gnomAD v4.1: 1 of 1,612,178 alleles (0.000062%); highest among the groups gnomAD compares: East Asian, 0.0022%; no homozygotes.

Submissions (2):

Blueprint Genetics
Classification: Uncertain significance. Last evaluated: 2024-04-11. Review status: criteria provided, single submitter. Criteria: ACMG Guidelines, 2015. Collection method: clinical testing. Allele origin: germline.

Labcorp Genetics (formerly Invitae), Labcorp
Classification: Uncertain significance for Idiopathic generalized epilepsy; Hyperaldosteronism, familial, type IV. Last evaluated: 2021-11-25. Review status: criteria provided, single submitter. Criteria: Invitae Variant Classification Sherloc (09022015). Collection method: clinical testing. Allele origin: germline.
Comment: In summary, the available evidence is currently insufficient to determine the role of this variant in disease. Therefore, it has been classified as a Variant of Uncertain Significance. This variant has not been reported in the literature in individuals affected with CACNA1H-related conditions. This variant is not present in population databases (gnomAD no frequency). This sequence change creates a premature translational stop signal (p.Tyr343*) in the CACNA1H gene. It is expected to result in an absent or disrupted protein product. However, the current clinical and genetic evidence is not sufficient to establish whether loss-of-function variants in CACNA1H cause disease.

NM_021098.3(CACNA1H):c.1029C>G (p.Tyr343Ter)

Gene: CACNA1H (calcium voltage-gated channel subunit alpha1 H; plus strand). Cytogenetic location: 16p13.3.
Variant type: single nucleotide variant.
Coding change: c.1029C>G on transcript NM_021098.3 (MANE Select); coding-DNA position 1029, C replaced by G.
Protein change: p.Tyr343Ter; replaces tyrosine 343 with a stop codon.
Molecular consequence: nonsense.
Genome position (GRCh38, 1-based): chr16:1,200,481, C>G. VCF-style: chr16-1200481-C-G. GRCh37 (hg19) VCF-style: chr16-1250481-C-G.
Other names: c.1029C>G, p.Tyr343Ter (NM_001005407.2); short protein forms Y343*.
Identifiers: ClinVar variation 1404762 (VCV001404762.7), dbSNP rs375894182, ClinGen allele CA394157715.
Genomic context (GRCh38, chr16:1,200,481, plus strand): 5'-GCAGCCGCAGGCCGAGGGGGTGGGCGCTGCACGCAACGCCTGCATCAACTGGAACCAGTA[C>G]TACAACGTGTGCCGCTCGGGTGACTCCAACCCCCACAACGGTGCCATCAACTTCGACAAC-3'